The following is an entry in ClinVar:

ClinVar aggregate classification (germline): Likely benign (0 of 4 stars; one submission).

Conditions:
HAVCR1-related disorder. Also called: HAVCR1-related condition.

Allele frequency attached by ClinVar (database versions not stated): ExAC 0.00001; gnomAD 0.00002; TOPMed 0.00002.
gnomAD v4.1: 19 of 1,614,014 alleles (0.0012%); highest among the groups gnomAD compares: East Asian, 0.0045%; no homozygotes.

Submission:

PreventionGenetics, part of Exact Sciences
Classification: Likely benign for HAVCR1-related condition. Last evaluated: 2019-07-10. Review status: no assertion criteria provided. Collection method: clinical testing. Allele origin: germline.
Comment: This variant is classified as likely benign based on ACMG/AMP sequence variant interpretation guidelines (Richards et al. 2015 PMID: 25741868, with internal and published modifications).

NM_001173393.3(HAVCR1):c.660G>A (p.Gln220=)

Gene: HAVCR1 (hepatitis A virus cellular receptor 1; minus strand). Cytogenetic location: 5q33.3.
Variant type: single nucleotide variant.
Coding change: c.660G>A on transcript NM_001173393.3 (MANE Select); coding-DNA position 660, G replaced by A.
Protein change: p.Gln220=; no amino-acid change (glutamine 220 retained).
Molecular consequence: synonymous variant.
Genome position (GRCh38, 1-based): chr5:157,052,374, C>T on the plus strand (G>A on the coding strand, the complement: HAVCR1 is on the minus strand). VCF-style: chr5-157052374-C-T. GRCh37 (hg19) VCF-style: chr5-156479385-C-T.
Other names: c.660G>A, p.Gln220= (NM_001308156.2, NM_012206.3).
Identifiers: ClinVar variation 3050119 (VCV003050119.2), dbSNP rs764258632, ClinGen allele CA3531521.